The following is an entry in ClinVar:

ClinVar aggregate classification (germline): Benign (1 of 4 stars; one submission).

Allele frequency attached by ClinVar (database versions not stated): TOPMed 0.10227; 1000 Genomes Project 0.11422; 1000 Genomes Project 30x 0.11977.
gnomAD v4.1: 15,310 of 151,958 alleles (10%); highest among the groups gnomAD compares: African/African-American, 24%; 1,338 homozygotes.

Submission:

GeneDx
Classification: Benign. Last evaluated: 2018-06-14. Review status: criteria provided, single submitter. Criteria: GeneDx Variant Classification (06012015). Collection method: clinical testing. Allele origin: germline. Affected: yes.
Comment: This variant is considered likely benign or benign based on one or more of the following criteria: it is a conservative change, it occurs at a poorly conserved position in the protein, it is predicted to be benign by multiple in silico algorithms, and/or has population frequency not consistent with disease.

NM_001258392.3(CLPB):c.456-4797C>T

Gene: CLPB (ClpB family mitochondrial disaggregase; minus strand). Cytogenetic location: 11q13.4.
Variant type: single nucleotide variant.
Coding change: c.456-4797C>T on transcript NM_001258392.3 (MANE Select); 4797 bases into the intron before coding-DNA position 456, C replaced by T.
Molecular consequence: intron variant.
Genome position (GRCh38, 1-based): chr11:72,407,849, G>A on the plus strand (C>T on the coding strand, the complement: CLPB is on the minus strand). VCF-style: chr11-72407849-G-A. GRCh37 (hg19) VCF-style: chr11-72118893-G-A.
Other names: c.455+22463C>T (NM_001258393.3); c.456-4797C>T (NM_030813.6); c.320+249C>T (NM_001258394.3).
Identifiers: ClinVar variation 672508 (VCV000672508.1), dbSNP rs113165548, ClinGen allele CA224501453.
Genomic context (GRCh38, chr11:72,407,849, plus strand): 5'-GGTGCCTGCCACCACGCCCAGCTAATTTTTTGTATTTTTTAGCAGAGACGGGGTTTCACC[G>A]TATTAGCCAGGATGGTCTTGATCTCCTGACCTTGTGATCCACCCGCCTCAGCCTCCCAAA-3'